The following is an entry in ClinVar:

ClinVar aggregate classification (germline): Conflicting classifications of pathogenicity. Review status: criteria provided, conflicting classifications (1 of 4 stars). 8 submissions from 6 submitters: Pathogenic (2); Likely pathogenic (4); Uncertain significance (2). Last evaluated 2024-03-05.

Conditions:
TNNT2-related disorder. Also called: TNNT2-related condition.
Hypertrophic cardiomyopathy 2. Also called: TNNT2-Related Familial Hypertrophic Cardiomyopathy. Identifiers: MedGen C1861864, MONDO:0007266, OMIM 115195.
Dilated cardiomyopathy 1D. Identifiers: Orphanet 154, Orphanet 54260, MedGen C1832243, MONDO:0011095, OMIM 601494.
Cardiomyopathy, familial restrictive, 3. Identifiers: Orphanet 75249, MedGen C2676271, MONDO:0012900, OMIM 612422.

Allele frequency attached by ClinVar (database versions not stated): gnomAD exomes below 0.00001.
gnomAD v4.1: 1 of 1,614,208 alleles (0.000062%); highest among the groups gnomAD compares: Non-Finnish European, 0.000085%; no homozygotes.

Submissions (8):

Blueprint Genetics
Classification: Pathogenic for TNNT2-related disorders. Last evaluated: 2024-03-05. Review status: criteria provided, single submitter. Criteria: ACMG Guidelines, 2015. Collection method: clinical testing. Allele origin: germline. Affected: yes. Observed: 1 variant allele.

Human Genetics Bochum, Ruhr University Bochum
Classification: Likely pathogenic. Last evaluated: 2023-11-13. Review status: criteria provided, single submitter. Criteria: ACMG Guidelines, 2015. Collection method: clinical testing. Allele origin: germline. Affected: yes.
Comment: ACMG criteria used to clasify this variant: PS3_MOD, PS4_MOD, PP3_MOD, PM2_SUP

Labcorp Genetics (formerly Invitae), Labcorp
Classification: Pathogenic for Cardiomyopathy, familial restrictive, 3; Hypertrophic cardiomyopathy 2; Dilated cardiomyopathy 1D. Last evaluated: 2023-10-18. Review status: criteria provided, single submitter. Criteria: Invitae Variant Classification Sherloc (09022015). Collection method: clinical testing. Allele origin: germline.
Comment: This sequence change replaces lysine, which is basic and polar, with asparagine, which is neutral and polar, at codon 97 of the TNNT2 protein (p.Lys97Asn). This variant is present in population databases (rs397516459, gnomAD 0.0009%). This missense change has been observed in individuals with TNNT2-related conditions (PMID: 21185001, 25524337, 27532257; Invitae). ClinVar contains an entry for this variant (Variation ID: 43631). Advanced modeling of protein sequence and biophysical properties (such as structural, functional, and spatial information, amino acid conservation, physicochemical variation, residue mobility, and thermodynamic stability) performed at Invitae indicates that this missense variant is expected to disrupt TNNT2 protein function. Experimental studies have shown that this missense change affects TNNT2 function (PMID: 33025817). For these reasons, this variant has been classified as Pathogenic.

Genome-Nilou Lab
Classification: Likely pathogenic for Dilated cardiomyopathy 1D. Last evaluated: 2023-04-11. Review status: criteria provided, single submitter. Criteria: ACMG Guidelines, 2015. Collection method: clinical testing. Allele origin: germline. Affected: no.

Genome-Nilou Lab
Classification: Likely pathogenic for Cardiomyopathy, familial restrictive, 3. Last evaluated: 2023-04-11. Review status: criteria provided, single submitter. Criteria: ACMG Guidelines, 2015. Collection method: clinical testing. Allele origin: germline. Affected: no.

Genome-Nilou Lab
Classification: Likely pathogenic for Hypertrophic cardiomyopathy 2. Last evaluated: 2023-04-11. Review status: criteria provided, single submitter. Criteria: ACMG Guidelines, 2015. Collection method: clinical testing. Allele origin: germline. Affected: no.

Laboratory for Molecular Medicine, Mass General Brigham Personalized Medicine
Classification: Uncertain significance. Last evaluated: 2022-08-09. Review status: criteria provided, single submitter. Criteria: ACMG Guidelines, 2015. Collection method: clinical testing. Allele origin: germline. Inheritance: Autosomal dominant inheritance.
Comment: The p.Lys97Asn variant in TNNT2 has been previously reported in at least 4 individuals with hypertrophic cardiomyopathy (HCM) and segregated with disease in at least 4 affected relatives from two families, 3 of whom were tested in a research laboratory (Harada 2004 PMID: 15631686, Coppini 2014 PMID: 25524337, Walsh 2017 PMID: 27532257, LMM data). This variant has also been reported in ClinVar (Variation ID 43631) and has been identified in 0.0009% (1/113760) European chromosomes in gnomAD. In vitro functional studies provide conflicting evidence on whether this variant impacts protein function (Gangadharan 2017 PMID: 28973951, Pettinato 2020 PMID: 33025817). Computational prediction tools and conservation analyses suggest that this variant may impact the protein, though this information is not predictive enough to determine pathogenicity. In summary, the clinical significance of this variant is uncertain. ACMG/AMP Criteria applied: PS4_Supporting, PP1, PM2_Supporting, PP3.

Stanford Center for Inherited Cardiovascular Disease, Stanford University
Classification: Uncertain significance. Last evaluated: 2011-12-19. Review status: criteria provided, single submitter. Criteria: ACMG Guidelines, 2015. Collection method: provider interpretation. Allele origin: germline.

Literature cited by the submitters: PubMed 21185001 (cited by Labcorp Genetics (formerly Invitae), Labcorp and Laboratory for Molecular Medicine, Mass General Brigham Personalized Medicine); PubMed 25524337 (cited by Labcorp Genetics (formerly Invitae), Labcorp); PubMed 27532257 (cited by Labcorp Genetics (formerly Invitae), Labcorp); PubMed 33025817 (cited by Labcorp Genetics (formerly Invitae), Labcorp); PubMed 19914256 (cited by Laboratory for Molecular Medicine, Mass General Brigham Personalized Medicine); PubMed 15631686 (cited by Laboratory for Molecular Medicine, Mass General Brigham Personalized Medicine).

NM_001276345.2(TNNT2):c.321G>T (p.Lys107Asn)

Gene: TNNT2 (troponin T2, cardiac type; minus strand). Cytogenetic location: 1q32.1.
Variant type: single nucleotide variant.
Coding change: c.321G>T on transcript NM_001276345.2 (MANE Select); coding-DNA position 321, G replaced by T.
Protein change: p.Lys107Asn; replaces lysine 107 with asparagine.
Molecular consequence: missense variant. On other transcripts: intron variant (1).
Genome position (GRCh38, 1-based): chr1:201,365,281, C>A on the plus strand (G>T on the coding strand, the complement: TNNT2 is on the minus strand). VCF-style: chr1-201365281-C-A. GRCh37 (hg19) VCF-style: chr1-201334409-C-A.
Other names: c.321G>T, p.Lys107Asn (NM_000364.4); c.291G>T, p.Lys97Asn (NM_001001430.3, NM_001001431.3, NM_001276347.2); c.276G>T, p.Lys92Asn (NM_001001432.3); c.291+329G>T (NM_001276346.2); short protein forms K107N, K97N, K92N.
Identifiers: ClinVar variation 43631 (VCV000043631.17), dbSNP rs397516459, ClinGen allele CA004322.
Genomic context (GRCh38, chr1:201,365,281, plus strand): 5'-CTCCTCTTTCTTCCTGTTCTCAAAGTGAGCCTCGATCAGCGCCTGCAACTCATTCAGGTC[C>A]TTCTCCATGCGCTTCCGGTGGATGTCCTGTGGGTGGACCGCTGCGGCTCAGAGGCTGCCA-3'
Protein context (NP_001263274.1, residues 97-117): FDDIHRKRME[Lys107Asn]DLNELQALIE